The following is an entry in ClinVar:

NM_181523.3(PIK3R1):c.2091T>G (p.His697Gln)

Gene: PIK3R1 (phosphoinositide-3-kinase regulatory subunit 1; plus strand). Cytogenetic location: 5q13.1.
Variant type: single nucleotide variant.
Coding change: c.2091T>G on transcript NM_181523.3 (MANE Select); coding-DNA position 2091, T replaced by G.
Protein change: p.His697Gln; replaces histidine 697 with glutamine.
Molecular consequence: missense variant.
Genome position (GRCh38, 1-based): chr5:68,297,517, T>G. VCF-style: chr5-68297517-T-G. GRCh37 (hg19) VCF-style: chr5-67593345-T-G.
Other names: c.1002T>G, p.His334Gln (NM_001242466.2); c.1281T>G, p.His427Gln (NM_181504.4); c.1191T>G, p.His397Gln (NM_181524.2); short protein forms H334Q, H427Q, H397Q, H697Q.
Identifiers: ClinVar variation 2944081 (VCV002944081.3), dbSNP rs1747791479, ClinGen allele CA359885678.
Genomic context (GRCh38, chr5:68,297,517, plus strand): 5'-TGGCTATGGCTTTGCCGAGCCCTATAACTTGTACAGCTCTCTGAAAGAACTGGTGCTACA[T>G]TACCAACACACCTCCCTTGTGCAGCACAACGACTCCCTCAATGTCACACTAGCCTACCCA-3'
Protein context (NP_852664.1, residues 687-707): LYSSLKELVL[His697Gln]YQHTSLVQHN

ClinVar aggregate classification (germline): Uncertain significance (1 of 4 stars; one submission).

Conditions:
SHORT syndrome. Also called: LIPODYSTROPHY, PARTIAL, WITH RIEGER ANOMALY AND SHORT STATURE; PIK3R1-Related SHORT Syndrome; SHORT STATURE, HYPEREXTENSIBILITY, HERNIA, OCULAR DEPRESSION, RIEGER ANOMALY, AND TEETHING DELAY. Identifiers: Orphanet 3163, MedGen C0878684, MONDO:0010026, OMIM 269880.
Agammaglobulinemia 7, autosomal recessive (AGM7). Also called: AGAMMAGLOBULINEMIA, AUTOSOMAL RECESSIVE, DUE TO PIK3R1 DEFECT. Identifiers: MedGen C3554689, MONDO:0014083, OMIM 615214.
Immunodeficiency 36 with lymphoproliferation. Also called: Immunodeficiency 36; ACTIVATED PI3K-DELTA SYNDROME 2; Activated PI3K Delta Syndrome Type 2 (APDS2). Identifiers: Orphanet 397596, Orphanet 693681, MedGen C4014934, MONDO:0014453, OMIM 616005.

Allele frequency attached by ClinVar (database versions not stated): TOPMed below 0.00001.

Submission:

Labcorp Genetics (formerly Invitae), Labcorp
Classification: Uncertain significance for SHORT syndrome; Immunodeficiency 36 with lymphoproliferation; Agammaglobulinemia 7, autosomal recessive. Last evaluated: 2023-02-09. Review status: criteria provided, single submitter. Criteria: Invitae Variant Classification Sherloc (09022015). Collection method: clinical testing. Allele origin: germline.
Comment: In summary, the available evidence is currently insufficient to determine the role of this variant in disease. Therefore, it has been classified as a Variant of Uncertain Significance. Advanced modeling of protein sequence and biophysical properties (such as structural, functional, and spatial information, amino acid conservation, physicochemical variation, residue mobility, and thermodynamic stability) performed at Invitae indicates that this missense variant is not expected to disrupt PIK3R1 protein function. This variant has not been reported in the literature in individuals affected with PIK3R1-related conditions. This variant is not present in population databases (gnomAD no frequency). This sequence change replaces histidine, which is basic and polar, with glutamine, which is neutral and polar, at codon 697 of the PIK3R1 protein (p.His697Gln).